The following is an entry in ClinVar:

ClinVar aggregate classification (germline): Uncertain significance (1 of 4 stars; one submission).

Conditions:
Long QT syndrome (LQTS). Identifiers: MedGen C0023976, MeSH D008133, MONDO:0002442. Disease mechanism: loss of function. Inheritance: Various modes of inheritance.

gnomAD v4.1: 1 of 1,612,118 alleles (0.000062%); no homozygotes.

Submission:

Labcorp Genetics (formerly Invitae), Labcorp
Classification: Uncertain significance for Long QT syndrome. Last evaluated: 2025-10-21. Review status: criteria provided, single submitter. Criteria: Invitae Variant Classification Sherloc (09022015). Collection method: clinical testing. Allele origin: germline.
Comment: This sequence change affects an acceptor splice site in intron 26 of the AKAP9 gene. It is expected to disrupt RNA splicing. Variants that disrupt the donor or acceptor splice site typically lead to a loss of protein function (PMID: 16199547), however the current clinical and genetic evidence is not sufficient to establish whether loss-of-function variants in AKAP9 cause disease. This variant is not present in population databases (gnomAD no frequency). This variant has not been reported in the literature in individuals affected with AKAP9-related conditions. Algorithms developed to predict the effect of sequence changes on RNA splicing suggest that this variant may disrupt the consensus splice site. In summary, the available evidence is currently insufficient to determine the role of this variant in disease. Therefore, it has been classified as a Variant of Uncertain Significance.

Literature cited by the submitters: PubMed 16199547.

NM_005751.5(AKAP9):c.6331-1G>T

Gene: AKAP9 (A-kinase anchoring protein 9; plus strand). Cytogenetic location: 7q21.2.
Variant type: single nucleotide variant.
Coding change: c.6331-1G>T on transcript NM_005751.5 (MANE Select); the canonical splice acceptor site of the intron before coding-DNA position 6331, G replaced by T.
Molecular consequence: splice acceptor variant.
Genome position (GRCh38, 1-based): chr7:92,070,029, G>T. VCF-style: chr7-92070029-G-T. GRCh37 (hg19) VCF-style: chr7-91699343-G-T.
Other names: c.6331-1G>T (NM_147185.3); c.976-1G>T (NM_001379277.1).
Identifiers: ClinVar variation 4803919 (VCV004803919.1).